The following is an entry in ClinVar:

ClinVar aggregate classification (germline): Uncertain significance. Review status: criteria provided, multiple submitters, no conflicts (2 of 4 stars). 2 submissions from 2 submitters: Uncertain significance (2). Last evaluated 2025-08-26.

Conditions:
Hypercholesterolemia, autosomal dominant, 3 (FHCL3). Also called: Familial Hypercholesterolemia, Autosomal Dominant, 3; PCSK9-Related Familial Hypercholesterolemia, Autosomal Dominant; Familial hypercholesterolemia 3. Identifiers: MedGen C1863551, MONDO:0011369, OMIM 603776.
Cardiovascular phenotype. Identifiers: MedGen CN230736.

Allele frequency attached by ClinVar (database versions not stated): gnomAD exomes 0.00001.
gnomAD v4.1: 15 of 1,574,110 alleles (0.00095%); highest among the groups gnomAD compares: Non-Finnish European, 0.0012%; no homozygotes.

Submissions (2):

Ambry Genetics
Classification: Uncertain significance for Cardiovascular phenotype. Last evaluated: 2025-08-26. Review status: criteria provided, single submitter. Criteria: Ambry Variant Classification Scheme 2023. Collection method: clinical testing. Allele origin: germline.

All of Us Research Program, National Institutes of Health
Classification: Uncertain significance for Hypercholesterolemia, autosomal dominant, 3. Last evaluated: 2024-07-10. Review status: criteria provided, single submitter. Criteria: ACMG Guidelines, 2015. Collection method: clinical testing. Allele origin: germline. Inheritance: Autosomal dominant inheritance. Observed: 1 variant allele, 1 heterozygote.
Comment: This missense variant replaces glycine with aspartic acid at codon 36 of the PCSK9 protein. Computational prediction suggests that this variant may not impact protein structure and function (internally defined REVEL score threshold <= 0.5, PMID: 27666373). To our knowledge, functional studies have not been reported for this variant. This variant has not been reported in individuals affected with PCSK9-related disorders in the literature. This variant has been identified in 1/185678 chromosomes in the general population by the Genome Aggregation Database (gnomAD). The available evidence is insufficient to determine the role of this variant in disease conclusively. Therefore, this variant is classified as a Variant of Uncertain Significance.

This study involves interpretation of variants in research participants for the purpose of population health screening. Participant phenotype was not available at the time of variant classification. Additional details can be found in publication PMID: 35346344, PMCID: PMC8962531

NM_174936.4(PCSK9):c.107G>A (p.Gly36Asp)

Gene: PCSK9 (proprotein convertase subtilisin/kexin type 9; plus strand). Cytogenetic location: 1p32.3.
Variant type: single nucleotide variant.
Coding change: c.107G>A on transcript NM_174936.4 (MANE Select); coding-DNA position 107, G replaced by A.
Protein change: p.Gly36Asp; replaces glycine 36 with aspartic acid.
Molecular consequence: missense variant. On other transcripts: non-coding transcript variant (8), 5 prime UTR variant (1).
Genome position (GRCh38, 1-based): chr1:55,039,944, G>A. VCF-style: chr1-55039944-G-A. GRCh37 (hg19) VCF-style: chr1-55505617-G-A.
Other names: c.107G>A, p.Gly36Asp (NM_001407240.1, NM_001407241.1, NM_001407242.1 and 4 more transcripts); c.-628G>A (NM_001407246.1); short protein forms G36D.
Identifiers: ClinVar variation 2454165 (VCV002454165.4), dbSNP rs1256244941, ClinGen allele CA340482787.